The following is an entry in ClinVar:

NM_004408.4(DNM1):c.749C>G (p.Ala250Gly)

Gene: DNM1 (dynamin 1; plus strand). Cytogenetic location: 9q34.11.
Variant type: single nucleotide variant.
Coding change: c.749C>G on transcript NM_004408.4 (MANE Select); coding-DNA position 749, C replaced by G.
Protein change: p.Ala250Gly; replaces alanine 250 with glycine.
Molecular consequence: missense variant.
Genome position (GRCh38, 1-based): chr9:128,220,241, C>G. VCF-style: chr9-128220241-C-G. GRCh37 (hg19) VCF-style: chr9-130982520-C-G.
Other names: c.749C>G, p.Ala250Gly (NM_001005336.3, NM_001288737.2, NM_001288738.2 and 2 more transcripts); short protein forms A250G.
Identifiers: ClinVar variation 4281366 (VCV004281366.7).

ClinVar aggregate classification (germline): Uncertain significance (1 of 4 stars; one submission).

Submission:

CeGaT Center for Human Genetics Tuebingen
Classification: Uncertain significance. Last evaluated: 2025-09-01. Review status: criteria provided, single submitter. Criteria: CeGaT Center For Human Genetics Tuebingen Variant Classification Criteria Version 2. Collection method: clinical testing. Allele origin: germline. Affected: yes. Observed: 1 variant allele.
Comment: DNM1: PM2, PP2